The following is an entry in ClinVar:

ClinVar aggregate classification (germline): Uncertain significance (1 of 4 stars; one submission).

Conditions:
Hereditary cancer-predisposing syndrome. Also called: Tumor predisposition; Hereditary Cancer Syndrome; Neoplastic Syndromes, Hereditary; Hereditary neoplastic syndrome. Identifiers: Orphanet 140162, MedGen C0027672, MeSH D009386, MONDO:0015356.

Submission:

Ambry Genetics
Classification: Uncertain significance for Hereditary cancer-predisposing syndrome. Last evaluated: 2021-08-24. Review status: criteria provided, single submitter. Criteria: Ambry Variant Classification Scheme 2023. Collection method: clinical testing. Allele origin: germline.
Comment: The p.I928F variant (also known as c.2782A>T), located in coding exon 20 of the KIT gene, results from an A to T substitution at nucleotide position 2782. The isoleucine at codon 928 is replaced by phenylalanine, an amino acid with highly similar properties. This amino acid position is conserved. In addition, this alteration is predicted to be tolerated by in silico analysis. Since supporting evidence is limited at this time, the clinical significance of this alteration remains unclear.

NM_000222.3(KIT):c.2782A>T (p.Ile928Phe)

Gene: KIT (KIT proto-oncogene, receptor tyrosine kinase; plus strand). Cytogenetic location: 4q12.
Variant type: single nucleotide variant.
Coding change: c.2782A>T on transcript NM_000222.3 (MANE Select); coding-DNA position 2782, A replaced by T.
Protein change: p.Ile928Phe; replaces isoleucine 928 with phenylalanine.
Molecular consequence: missense variant.
Genome position (GRCh38, 1-based): chr4:54,737,260, A>T. VCF-style: chr4-54737260-A-T. GRCh37 (hg19) VCF-style: chr4-55603426-A-T.
Other names: c.2770A>T, p.Ile924Phe (NM_001093772.2, NM_001385292.1); c.2785A>T, p.Ile929Phe (NM_001385284.1); c.2779A>T, p.Ile927Phe (NM_001385285.1); c.2767A>T, p.Ile923Phe (NM_001385286.1); c.2773A>T, p.Ile925Phe (NM_001385288.1); c.2782A>T, p.Ile928Phe (NM_001385290.1); short protein forms I925F, I927F, I923F, I924F, I928F, I929F.
Identifiers: ClinVar variation 1795947 (VCV001795947.2), dbSNP rs1343494916, ClinGen allele CA356914529.